The following is an entry in ClinVar:

ClinVar aggregate classification (germline): Pathogenic. Review status: criteria provided, multiple submitters, no conflicts (2 of 4 stars). 4 submissions from 4 submitters: Pathogenic (4). Last evaluated 2024-11-19.

Conditions:
Cardiovascular phenotype. Identifiers: MedGen CN230736.
Hypertrophic cardiomyopathy. Also called: HYPERTROPHIC MYOCARDIOPATHY. Identifiers: Orphanet 217569, MedGen C0007194, MeSH D002312, MONDO:0005045, HP:0001639.

Submissions (4):

Labcorp Genetics (formerly Invitae), Labcorp
Classification: Pathogenic for Hypertrophic cardiomyopathy. Last evaluated: 2024-11-19. Review status: criteria provided, single submitter. Criteria: Invitae Variant Classification Sherloc (09022015). Collection method: clinical testing. Allele origin: germline.
Comment: This sequence change creates a premature translational stop signal (p.Pro121Argfs*38) in the MYBPC3 gene. It is expected to result in an absent or disrupted protein product. Loss-of-function variants in MYBPC3 are known to be pathogenic (PMID: 19574547). This variant is not present in population databases (gnomAD no frequency). This premature translational stop signal has been observed in individual(s) with clinical features of hypertrophic cardiomyopathy (PMID: 30297972). ClinVar contains an entry for this variant (Variation ID: 42729). For these reasons, this variant has been classified as Pathogenic.

Ambry Genetics
Classification: Pathogenic for Cardiovascular phenotype. Last evaluated: 2023-02-24. Review status: criteria provided, single submitter. Criteria: Ambry General Variant Classification Scheme_2022. Collection method: clinical testing. Allele origin: germline.
Comment: The c.362delC pathogenic mutation, located in coding exon 3 of the MYBPC3 gene, results from a deletion of one nucleotide at nucleotide position 362, causing a translational frameshift with a predicted alternate stop codon (p.P121Rfs*38). THis alteration has been reported in association with hypertrophic cardiomyopathy (HCM) (Ho CY et al. Circulation, 2018 Oct;138:1387-1398). This variant is also considered to be rare based on population cohorts in the Genome Aggregation Database (gnomAD). This alteration is expected to result in loss of function by premature protein truncation or nonsense-mediated mRNA decay. As such, this alteration is interpreted as a disease-causing mutation.

GeneDx
Classification: Pathogenic. Last evaluated: 2018-10-30. Review status: criteria provided, single submitter. Criteria: GeneDx Variant Classification (06012015). Collection method: clinical testing. Allele origin: germline. Affected: yes.
Comment: Although the c.362delC pathogenic variant in the MYBPC3 gene has not been reported to our knowledge, this variant causes a shift in reading frame starting at codon Proline 121, changing it to an Arginine, and creating a premature stop codon at position 38 of the new reading frame, denoted p.Pro121ArgfsX38. This pathogenic variant is expected to result in either an abnormal, truncated protein product or loss of protein from this allele through nonsense-mediated mRNA decay. Other frameshift variants in the MYBPC3 gene have been reported in Human Gene Mutation Database in association with hypertrophic cardiomyopathy (Stenson et al., 2014), indicating that loss of function is a mechanism of disease for this gene. Furthermore, the c.362delC variant has not been observed in large population cohorts (Lek et al., 2016; 1000 Genomes Consortium et al., 2015; Exome Variant Server). In summary, c.362delC in the MYBPC3 gene is interpreted as a pathogenic variant.

Laboratory for Molecular Medicine, Mass General Brigham Personalized Medicine
Classification: Pathogenic for Hypertrophic cardiomyopathy. Last evaluated: 2012-06-22. Review status: criteria provided, single submitter. Criteria: LMM Criteria. Collection method: clinical testing. Allele origin: germline. Observed: 2 variant alleles.
Comment: This fram eshift variant is predicted to alter the protein?s amino acid sequence beginning at position 121 and lead to a premature termination codon 38 amino acids downst ream. This alteration is then predicted to lead to a truncated or absent protein . Heterozygous loss of function of function of the MYBPC3 gene is an established disease mechanism in HCM. In summary, this variant meets our criteria to be cla ssified as pathogenic.

Literature cited by the submitters: PubMed 19574547 (cited by Labcorp Genetics (formerly Invitae), Labcorp); PubMed 30297972 (cited by Labcorp Genetics (formerly Invitae), Labcorp and Ambry Genetics).

NM_000256.3(MYBPC3):c.362del (p.Pro121fs)

Gene: MYBPC3 (myosin binding protein C3; minus strand). Cytogenetic location: 11p11.2.
Variant type: Deletion.
Coding change: c.362del on transcript NM_000256.3 (MANE Select); coding-DNA position 362, one base deleted (C; older notation c.362delC).
Protein change: p.Pro121fs; shifts the reading frame from proline 121.
Molecular consequence: frameshift variant.
Genome position (GRCh38, 1-based): chr11:47,350,546, G deleted on the plus strand (C on the coding strand, the reverse complement: MYBPC3 is on the minus strand); the first of 4 consecutive G bases (chr11:47,350,546-47,350,549); deleting any one gives the same sequence. VCF-style (leftmost placement, unchanged base first): chr11-47350545-CG-C. GRCh37 (hg19) VCF-style: chr11-47372096-CG-C.
Other names: c.362del, p.Pro121fs (LRG_386t1); c.362delC (NM_000256.3); short protein forms P121fs.
Identifiers: ClinVar variation 42729 (VCV000042729.15), dbSNP rs397516032, ClinGen allele CA014531.
Genomic context (GRCh38, chr11:47,350,545, plus strand): 5'-TGCCCAGCCCCTCTCACCTTTGGGACTTGGGGCACTTTCTCCCAGCTCAGCGGCTGGGGC[CG>C]GGGCTTCTCCAGGGGCTCCAGTGGCCTCAGCAGGGGCAGGGGCAGGGGCCAGCATGGGCT-3'